The following is an entry in ClinVar:

ClinVar aggregate classification (germline): Uncertain significance (1 of 4 stars; one submission).

Allele frequency attached by ClinVar (database versions not stated): TOPMed below 0.00001; gnomAD exomes 0.00001.
gnomAD v4.1: 3 of 1,614,166 alleles (0.00019%); highest among the groups gnomAD compares: Non-Finnish European, 0.00025%; no homozygotes.

Submission:

Labcorp Genetics (formerly Invitae), Labcorp
Classification: Uncertain significance. Last evaluated: 2025-03-02. Review status: criteria provided, single submitter. Criteria: Invitae Variant Classification Sherloc (09022015). Collection method: clinical testing. Allele origin: germline.
Comment: This sequence change replaces isoleucine, which is neutral and non-polar, with valine, which is neutral and non-polar, at codon 254 of the SNIP1 protein (p.Ile254Val). This variant is not present in population databases (gnomAD no frequency). This variant has not been reported in the literature in individuals affected with SNIP1-related conditions. ClinVar contains an entry for this variant (Variation ID: 3019898). Invitae Evidence Modeling of protein sequence and biophysical properties (such as structural, functional, and spatial information, amino acid conservation, physicochemical variation, residue mobility, and thermodynamic stability) indicates that this missense variant is not expected to disrupt SNIP1 protein function with a negative predictive value of 80%. In summary, the available evidence is currently insufficient to determine the role of this variant in disease. Therefore, it has been classified as a Variant of Uncertain Significance.

NM_024700.4(SNIP1):c.760A>G (p.Ile254Val)

Genes: SNIP1 (Smad nuclear interacting protein 1; minus strand), LOC126805704 (BRD4-independent group 4 enhancer GRCh37_chr1:38005292-38006491; plus strand). Cytogenetic location: 1p34.3.
Variant type: single nucleotide variant.
Coding change: c.760A>G on transcript NM_024700.4 (MANE Select); coding-DNA position 760, A replaced by G.
Protein change: p.Ile254Val; replaces isoleucine 254 with valine.
Molecular consequence: missense variant.
Genome position (GRCh38, 1-based): chr1:37,540,323, T>C on the plus strand (A>G on the coding strand, the complement: SNIP1 is on the minus strand). VCF-style: chr1-37540323-T-C. GRCh37 (hg19) VCF-style: chr1-38005924-T-C.
Other names: short protein forms I254V.
Identifiers: ClinVar variation 3019898 (VCV003019898.3), dbSNP rs1643158161, ClinGen allele CA339449462.